The following is an entry in ClinVar:

ClinVar aggregate classification (germline): Uncertain significance (1 of 4 stars; one submission).

Conditions:
Lissencephaly 9 with complex brainstem malformation. Identifiers: Orphanet 572013, MedGen C5193029, MONDO:0032677, OMIM 618325.

gnomAD v4.1: 3 of 1,612,804 alleles (0.00019%); highest among the groups gnomAD compares: African/African-American, 0.0013%; no homozygotes.

Submission:

Laboratorio de Genetica e Diagnostico Molecular, Hospital Israelita Albert Einstein
Classification: Uncertain significance for Lissencephaly 9 with complex brainstem malformation. Last evaluated: 2023-05-30. Review status: criteria provided, single submitter. Criteria: ACMG Guidelines, 2015. Collection method: clinical testing. Allele origin: germline. Affected: yes.
Comment: ACMG classification criteria: PM2 moderate, PP2 supporting, BP4 supporting

NM_001394062.1(MACF1):c.13642G>C (p.Glu4548Gln)

Gene: MACF1 (microtubule actin crosslinking factor 1; plus strand). Cytogenetic location: 1p34.3.
Variant type: single nucleotide variant.
Coding change: c.13642G>C on transcript NM_001394062.1 (MANE Select); coding-DNA position 13642, G replaced by C.
Protein change: p.Glu4548Gln; replaces glutamic acid 4548 with glutamine.
Molecular consequence: missense variant.
Genome position (GRCh38, 1-based): chr1:39,380,367, G>C. VCF-style: chr1-39380367-G-C. GRCh37 (hg19) VCF-style: chr1-39846039-G-C.
Other names: c.7456G>C, p.Glu2486Gln (NM_012090.5); short protein forms E2486Q, E4548Q.
Identifiers: ClinVar variation 4056591 (VCV004056591.1).